The following is an entry in ClinVar:

ClinVar aggregate classification (germline): Pathogenic (1 of 4 stars; one submission).

Conditions:
Glaucoma 1, open angle, E. Identifiers: MedGen C1842026, MONDO:0007665.
Primary open angle glaucoma (POAG). Also called: OPTN-related open angle glaucoma. Identifiers: MedGen C0339573, MONDO:0100553, OMIM 137760.
Amyotrophic lateral sclerosis type 12 (ALS12). Also called: AMYOTROPHIC LATERAL SCLEROSIS 12 WITH OR WITHOUT FRONTOTEMPORAL DEMENTIA. Identifiers: Orphanet 803, MedGen C3150692, MONDO:0013264, OMIM 613435.

Submission:

Labcorp Genetics (formerly Invitae), Labcorp
Classification: Pathogenic for Primary open angle glaucoma; Glaucoma 1, open angle, E; Amyotrophic lateral sclerosis type 12. Last evaluated: 2022-06-15. Review status: criteria provided, single submitter. Criteria: Invitae Variant Classification Sherloc (09022015). Collection method: clinical testing. Allele origin: germline.
Comment: For these reasons, this variant has been classified as Pathogenic. This variant has not been reported in the literature in individuals affected with OPTN-related conditions. This variant is a gross deletion of the genomic region encompassing exon(s) 7-10 of the OPTN gene. This deletion is out-of-frame, and is expected to create a premature termination codon and result in an absent or disrupted protein product. Loss-of-function variants in OPTN are known to be pathogenic (PMID: 20428114).

Literature cited by the submitters: PubMed 20428114.

NC_000010.10:g.(?_13164365)_(13168059_?)del

Gene: OPTN (optineurin; plus strand). Cytogenetic location: 10p13.
Variant type: Deletion.
Identifiers: ClinVar variation 2426701 (VCV002426701.6).